The following is an entry in ClinVar:

ClinVar aggregate classification (germline): Uncertain significance (1 of 4 stars; one submission).

Conditions:
Warts, hypogammaglobulinemia, infections, and myelokathexis. Also called: WHIM syndrome. Identifiers: MedGen C0472817, MONDO:0023880.

gnomAD v4.1: 6 of 1,613,934 alleles (0.00037%); highest among the groups gnomAD compares: Non-Finnish European, 0.00051%; no homozygotes.

Submission:

Labcorp Genetics (formerly Invitae), Labcorp
Classification: Uncertain significance for Warts, hypogammaglobulinemia, infections, and myelokathexis. Last evaluated: 2024-12-24. Review status: criteria provided, single submitter. Criteria: Invitae Variant Classification Sherloc (09022015). Collection method: clinical testing. Allele origin: germline.
Comment: This sequence change replaces arginine, which is basic and polar, with cysteine, which is neutral and slightly polar, at codon 235 of the CXCR4 protein (p.Arg235Cys). This variant is present in population databases (no rsID available, gnomAD 0.0009%). This variant has not been reported in the literature in individuals affected with CXCR4-related conditions. An algorithm developed to predict the effect of missense changes on protein structure and function (PolyPhen-2) suggests that this variant is likely to be disruptive. In summary, the available evidence is currently insufficient to determine the role of this variant in disease. Therefore, it has been classified as a Variant of Uncertain Significance.

NM_003467.3(CXCR4):c.703C>T (p.Arg235Cys)

Gene: CXCR4 (C-X-C motif chemokine receptor 4; minus strand). Cytogenetic location: 2q22.1.
Variant type: single nucleotide variant.
Coding change: c.703C>T on transcript NM_003467.3 (MANE Select); coding-DNA position 703, C replaced by T.
Protein change: p.Arg235Cys; replaces arginine 235 with cysteine.
Molecular consequence: missense variant.
Genome position (GRCh38, 1-based): chr2:136,115,225, G>A on the plus strand (C>T on the coding strand, the complement: CXCR4 is on the minus strand). VCF-style: chr2-136115225-G-A. GRCh37 (hg19) VCF-style: chr2-136872795-G-A.
Other names: c.715C>T, p.Arg239Cys (NM_001008540.2); c.916C>T, p.Arg306Cys (NM_001348056.2); c.802C>T, p.Arg268Cys (NM_001348059.2); c.658C>T, p.Arg220Cys (NM_001348060.2); short protein forms R239C, R268C, R220C, R235C, R306C.
Identifiers: ClinVar variation 3711614 (VCV003711614.2).
Genomic context (GRCh38, chr2:136,115,225, plus strand): 5'-AAGGCAGCCAACAGGCGAAGAAAGCCAGGATGAGGATGACTGTGGTCTTGAGGGCCTTGC[G>A]CTTCTGGTGGCCCTTGGAGTGTGACAGCTTGGAGATGATAATGCAATAGCAGGACAGGAT-3'
Protein context (NP_003458.1, residues 225-245): KLSHSKGHQK[Arg235Cys]KALKTTVILI